The following is an entry in ClinVar:

ClinVar aggregate classification (germline): Likely pathogenic (1 of 4 stars; one submission).

Conditions:
Hypertrophic cardiomyopathy 26. Also called: Cardiomyopathy, familial hypertrophic, 26. Identifiers: Orphanet 75249, MedGen C4310749, MONDO:0014883, OMIM 617047.

Submission:

Department of Molecular Genetics, Istishari Arab Hospital
Classification: Likely pathogenic for Hypertrophic cardiomyopathy 26. Last evaluated: 2025-08-17. Review status: criteria provided, single submitter. Criteria: ACMG Guidelines, 2015. Collection method: clinical testing. Allele origin: germline. Inheritance: Autosomal dominant inheritance. Affected: yes.
Comment: The FLNC variant c.2924dup, p.Asn975Lysfs*2 causes a shift in the reading frame at position 975, which results in termination of the protein 2 positions downstream. The frameshift variant is predicted to result in a loss or disruption of normal protein function through nonsense-mediated decay (NMD) or protein truncation. Multiple pathogenic variants are reported downstream of the variant. To the best of our knowledge, this variant was not previously reported in the literature. It is classified as likely pathogenic based on ACMG/AMP/ClinGen SVI guidelines.

NM_001458.5(FLNC):c.2924dup (p.Asn975fs)

Gene: FLNC (filamin C; plus strand). Cytogenetic location: 7q32.1.
Variant type: Duplication.
Coding change: c.2924dup on transcript NM_001458.5 (MANE Select); coding-DNA position 2924, one base duplicated (A; older notation c.2924dupA).
Protein change: p.Asn975fs; shifts the reading frame from asparagine 975.
Molecular consequence: frameshift variant.
Genome position (GRCh38, 1-based): chr7:128,843,908, A duplicated; the last of 2 consecutive A bases (chr7:128,843,907-128,843,908); duplicating either gives the same sequence. VCF-style (leftmost placement, unchanged base first): chr7-128843906-T-TA. GRCh37 (hg19) VCF-style: chr7-128483960-T-TA.
Other names: p.Asn975Lysfs*2; c.2924dup, p.Asn975fs (NM_001127487.2); short protein forms N975fs.
Identifiers: ClinVar variation 4075413 (VCV004075413.1).